The following is an entry in ClinVar:

ClinVar aggregate classification (germline): Uncertain significance (1 of 4 stars; one submission).

Conditions:
Nephronophthisis. Also called: Juvenile Nephronophthisis. Identifiers: Orphanet 655, MedGen C0687120, MONDO:0019005, HP:0000090.

gnomAD v4.1: 6 of 1,523,140 alleles (0.00039%); highest among the groups gnomAD compares: South Asian, 0.0034%; no homozygotes.

Submission:

Labcorp Genetics (formerly Invitae), Labcorp
Classification: Uncertain significance for Nephronophthisis. Last evaluated: 2021-11-03. Review status: criteria provided, single submitter. Criteria: Invitae Variant Classification Sherloc (09022015). Collection method: clinical testing. Allele origin: germline.
Comment: In summary, the available evidence is currently insufficient to determine the role of this variant in disease. Therefore, it has been classified as a Variant of Uncertain Significance. Algorithms developed to predict the effect of sequence changes on RNA splicing suggest that this variant may disrupt the consensus splice site. ClinVar contains an entry for this variant (Variation ID: 956006). This variant has not been reported in the literature in individuals affected with NPHP3-related conditions. This variant is present in population databases (rs777908405, gnomAD 0.006%). This sequence change falls in intron 25 of the NPHP3 gene. It does not directly change the encoded amino acid sequence of the NPHP3 protein.

NM_153240.5(NPHP3):c.3697-7T>G

Genes: NPHP3 (nephrocystin 3; minus strand), NPHP3-ACAD11 (NPHP3-ACAD11 readthrough (NMD candidate); minus strand). Cytogenetic location: 3q22.1.
Variant type: single nucleotide variant.
Coding change: c.3697-7T>G on transcript NM_153240.5 (MANE Select); 7 bases into the intron before coding-DNA position 3697, T replaced by G.
Molecular consequence: intron variant.
Genome position (GRCh38, 1-based): chr3:132,682,825, A>C on the plus strand (T>G on the coding strand, the complement: NPHP3 is on the minus strand). VCF-style: chr3-132682825-A-C. GRCh37 (hg19) VCF-style: chr3-132401669-A-C.
Identifiers: ClinVar variation 956006 (VCV000956006.7), dbSNP rs777908405, ClinGen allele CA2621666.